The following is an entry in ClinVar:

NM_024996.7(GFM1):c.1255_1277dup (p.Ser427fs)

Gene: GFM1 (G elongation factor mitochondrial 1; plus strand). Cytogenetic location: 3q25.32.
Variant type: Duplication.
Coding change: c.1255_1277dup on transcript NM_024996.7 (MANE Select); coding-DNA positions 1255 to 1277, 23 bases duplicated (GCATTGTTTGGCATTGACTGTGC).
Protein change: p.Ser427fs; shifts the reading frame from serine 427.
Molecular consequence: frameshift variant. On other transcripts: non-coding transcript variant (4).
Genome position (GRCh38, 1-based): chr3:158,660,907-158,660,929, GCATTGTTTGGCATTGACTGTGC duplicated. VCF-style (leftmost placement, unchanged base first): chr3-158660906-T-TGCATTGTTTGGCATTGACTGTGC. GRCh37 (hg19) VCF-style: chr3-158378695-T-TGCATTGTTTGGCATTGACTGTGC.
Other names: c.1255_1277dupGCATTGTTTGGCATTGACTGTGC (NM_024996.5); c.1312_1334dup, p.Ser446fs (NM_001308164.2); c.1255_1277dup, p.Ser427fs (NM_001308166.2); c.1174_1196dup, p.Ser400fs (NM_001374355.1); c.1138_1160dup, p.Ser388fs (NM_001374356.1); c.1030_1052dup, p.Ser352fs (NM_001374357.1); c.796_818dup, p.Ser274fs (NM_001374358.1); c.688_710dup, p.Ser238fs (NM_001374359.1, NM_001374360.1); and 1 more; short protein forms S199fs, S274fs, S388fs, S238fs, S427fs, S446fs, S352fs, S400fs.
Identifiers: ClinVar variation 848623 (VCV000848623.9), dbSNP rs753352064, ClinGen allele CA2682580.

ClinVar aggregate classification (germline): Pathogenic/Likely pathogenic. Review status: criteria provided, multiple submitters, no conflicts (2 of 4 stars). 3 submissions from 3 submitters: Pathogenic (1); Likely pathogenic (2). Last evaluated 2025-10-16.

Conditions:
Hepatoencephalopathy due to combined oxidative phosphorylation defect type 1. Also called: HEPATOENCEPHALOPATHY, EARLY FATAL PROGRESSIVE. Identifiers: Orphanet 137681, MedGen C1836797, MONDO:0012191, OMIM 609060.

Allele frequency attached by ClinVar (database versions not stated): gnomAD exomes below 0.00001 and 0.00002; ExAC 0.00001; TOPMed 0.00001; gnomAD 0.00002.

Submissions (3):

Natera, Inc.
Classification: Likely pathogenic for Combined oxidative phosphorylation deficiency 1. Last evaluated: 2025-10-16. Review status: criteria provided, single submitter. Criteria: Natera Variant Classification Schema (03/2026). Collection method: clinical testing. Allele origin: germline.
Comment: The c.1255_1277dupGCATTGTTTGGCATTGACTGTGC variant in GFM1 is a frameshift variant predicted to shift the reading frame beginning at codon 427 and leads to a stop codon 35 codons downstream. This variant is expected to result in nonsense mediated decay, truncation, or a dysfunctional protein product. This variant is rare in the general population with a frequency below the threshold expected for the associated phenotype(s). Given the available evidence, this variant is classified as Likely Pathogenic.

Labcorp Genetics (formerly Invitae), Labcorp
Classification: Pathogenic. Last evaluated: 2023-11-15. Review status: criteria provided, single submitter. Criteria: Invitae Variant Classification Sherloc (09022015). Collection method: clinical testing. Allele origin: germline.
Comment: This sequence change creates a premature translational stop signal (p.Ser427Hisfs*35) in the GFM1 gene. It is expected to result in an absent or disrupted protein product. Loss-of-function variants in GFM1 are known to be pathogenic (PMID: 16632485, 17160893). This variant is present in population databases (rs753352064, gnomAD 0.002%). This variant has not been reported in the literature in individuals affected with GFM1-related conditions. ClinVar contains an entry for this variant (Variation ID: 848623). For these reasons, this variant has been classified as Pathogenic.

Baylor Genetics
Classification: Likely pathogenic for Hepatoencephalopathy due to combined oxidative phosphorylation defect type 1. Last evaluated: 2023-06-13. Review status: criteria provided, single submitter. Criteria: ACMG Guidelines, 2015. Collection method: clinical testing. Allele origin: unknown.

Literature cited by the submitters: PubMed 16632485 (cited by Labcorp Genetics (formerly Invitae), Labcorp); PubMed 17160893 (cited by Labcorp Genetics (formerly Invitae), Labcorp).